The following is an entry in ClinVar:

ClinVar aggregate classification (germline): Uncertain significance. Review status: criteria provided, multiple submitters, no conflicts (2 of 4 stars). 2 submissions from 2 submitters: Uncertain significance (2). Last evaluated 2025-03-07.

Allele frequency attached by ClinVar (database versions not stated): gnomAD 0.00001.
gnomAD v4.1: 177 of 1,611,084 alleles (0.011%); highest among the groups gnomAD compares: Non-Finnish European, 0.014%; no homozygotes.

Submissions (2):

Labcorp Genetics (formerly Invitae), Labcorp
Classification: Uncertain significance. Last evaluated: 2025-03-07. Review status: criteria provided, single submitter. Criteria: Invitae Variant Classification Sherloc (09022015). Collection method: clinical testing. Allele origin: germline.
Comment: This sequence change replaces arginine, which is basic and polar, with histidine, which is basic and polar, at codon 190 of the HTRA1 protein (p.Arg190His). This variant is present in population databases (rs765112668, gnomAD 0.01%). This missense change has been observed in individual(s) with Alzheimer disease (PMID: 30954774). ClinVar contains an entry for this variant (Variation ID: 2759225). Invitae Evidence Modeling of protein sequence and biophysical properties (such as structural, functional, and spatial information, amino acid conservation, physicochemical variation, residue mobility, and thermodynamic stability) has been performed for this missense variant. However, the output from this modeling did not meet the statistical confidence thresholds required to predict the impact of this variant on HTRA1 protein function. In summary, the available evidence is currently insufficient to determine the role of this variant in disease. Therefore, it has been classified as a Variant of Uncertain Significance.

Blueprint Genetics
Classification: Uncertain significance. Last evaluated: 2024-04-02. Review status: criteria provided, single submitter. Criteria: ACMG Guidelines, 2015. Collection method: clinical testing. Allele origin: germline.

Literature cited by the submitters: PubMed 30954774 (cited by Labcorp Genetics (formerly Invitae), Labcorp).

NM_002775.5(HTRA1):c.569G>A (p.Arg190His)

Gene: HTRA1 (HtrA serine peptidase 1; plus strand). Cytogenetic location: 10q26.13.
Variant type: single nucleotide variant.
Coding change: c.569G>A on transcript NM_002775.5 (MANE Select); coding-DNA position 569, G replaced by A.
Protein change: p.Arg190His; replaces arginine 190 with histidine.
Molecular consequence: missense variant.
Genome position (GRCh38, 1-based): chr10:122,488,998, G>A. VCF-style: chr10-122488998-G-A. GRCh37 (hg19) VCF-style: chr10-124248514-G-A.
Other names: short protein forms R190H.
Identifiers: ClinVar variation 2759225 (VCV002759225.4), dbSNP rs765112668, ClinGen allele CA5725850.